The following is an entry in ClinVar:

ClinVar aggregate classification (germline): Uncertain significance (1 of 4 stars; one submission).

gnomAD v4.1: 4 of 1,614,074 alleles (0.00025%); highest among the groups gnomAD compares: Non-Finnish European, 0.00034%; no homozygotes.

Submission:

Labcorp Genetics (formerly Invitae), Labcorp
Classification: Uncertain significance. Last evaluated: 2024-12-24. Review status: criteria provided, single submitter. Criteria: Invitae Variant Classification Sherloc (09022015). Collection method: clinical testing. Allele origin: germline.
Comment: This sequence change replaces arginine, which is basic and polar, with isoleucine, which is neutral and non-polar, at codon 77 of the MAP3K8 protein (p.Arg77Ile). The frequency data for this variant in the population databases is considered unreliable, as metrics indicate poor data quality at this position in the gnomAD database. This variant has not been reported in the literature in individuals affected with MAP3K8-related conditions. An algorithm developed to predict the effect of missense changes on protein structure and function (PolyPhen-2) suggests that this variant is likely to be disruptive. In summary, the available evidence is currently insufficient to determine the role of this variant in disease. Therefore, it has been classified as a Variant of Uncertain Significance.

NM_005204.4(MAP3K8):c.230G>T (p.Arg77Ile)

Gene: MAP3K8 (mitogen-activated protein kinase kinase kinase 8; plus strand). Cytogenetic location: 10p11.23.
Variant type: single nucleotide variant.
Coding change: c.230G>T on transcript NM_005204.4 (MANE Select); coding-DNA position 230, G replaced by T.
Protein change: p.Arg77Ile; replaces arginine 77 with isoleucine.
Molecular consequence: missense variant.
Genome position (GRCh38, 1-based): chr10:30,439,168, G>T. VCF-style: chr10-30439168-G-T. GRCh37 (hg19) VCF-style: chr10-30728097-G-T.
Other names: c.230G>T, p.Arg77Ile (NM_001244134.1, NM_001320961.2); short protein forms R77I.
Identifiers: ClinVar variation 3607495 (VCV003607495.2).